The following is an entry in ClinVar:

NM_000083.3(CLCN1):c.1805C>A (p.Thr602Asn)

Gene: CLCN1 (chloride voltage-gated channel 1; plus strand). Cytogenetic location: 7q34.
Variant type: single nucleotide variant.
Coding change: c.1805C>A on transcript NM_000083.3 (MANE Select); coding-DNA position 1805, C replaced by A.
Protein change: p.Thr602Asn; replaces threonine 602 with asparagine.
Molecular consequence: missense variant. On other transcripts: non-coding transcript variant (1).
Genome position (GRCh38, 1-based): chr7:143,342,380, C>A. VCF-style: chr7-143342380-C-A. GRCh37 (hg19) VCF-style: chr7-143039473-C-A.
Other names: short protein forms T602N.
Identifiers: ClinVar variation 2142733 (VCV002142733.1), dbSNP rs762094361, ClinGen allele CA4537490.

ClinVar aggregate classification (germline): Uncertain significance (1 of 4 stars; one submission).

Conditions:
Congenital myotonia, autosomal recessive form. Also called: BECKER DISEASE; Becker Generalized Myotonia; myotonia congenita, autosomal recessive. Identifiers: Orphanet 614, MedGen C0751360, MONDO:0009715, OMIM 255700.
Congenital myotonia, autosomal dominant form (THD). Also called: THOMSEN DISEASE; Myotonia congenita autosomal dominant. Identifiers: Orphanet 614, MedGen C2936781, MONDO:0008055, OMIM 160800.

Allele frequency attached by ClinVar (database versions not stated): gnomAD exomes below 0.00001; ExAC 0.00001; TOPMed 0.00002; gnomAD 0.00003.
gnomAD v4.1: 11 of 1,614,016 alleles (0.00068%); highest among the groups gnomAD compares: African/African-American, 0.0067%; no homozygotes.

Submission:

Labcorp Genetics (formerly Invitae), Labcorp
Classification: Uncertain significance for Congenital myotonia, autosomal recessive form; Congenital myotonia, autosomal dominant form. Last evaluated: 2022-04-21. Review status: criteria provided, single submitter. Criteria: Invitae Variant Classification Sherloc (09022015). Collection method: clinical testing. Allele origin: germline.
Comment: This sequence change replaces threonine, which is neutral and polar, with asparagine, which is neutral and polar, at codon 602 of the CLCN1 protein (p.Thr602Asn). This variant is present in population databases (rs762094361, gnomAD 0.01%). This variant has not been reported in the literature in individuals affected with CLCN1-related conditions. Advanced modeling of protein sequence and biophysical properties (such as structural, functional, and spatial information, amino acid conservation, physicochemical variation, residue mobility, and thermodynamic stability) performed at Invitae indicates that this missense variant is not expected to disrupt CLCN1 protein function. In summary, the available evidence is currently insufficient to determine the role of this variant in disease. Therefore, it has been classified as a Variant of Uncertain Significance.